The following is an entry in ClinVar:

ClinVar aggregate classification (germline): Uncertain significance. Review status: criteria provided, multiple submitters, no conflicts (2 of 4 stars). 3 submissions from 3 submitters: Uncertain significance (3). Last evaluated 2025-12-15.

Conditions:
Long QT syndrome (LQTS). Identifiers: MedGen C0023976, MeSH D008133, MONDO:0002442. Disease mechanism: loss of function. Inheritance: Various modes of inheritance.
Cardiovascular phenotype. Identifiers: MedGen CN230736.

Allele frequency attached by ClinVar (database versions not stated): gnomAD 0.00001; gnomAD exomes 0.00001; ExAC 0.00002; TOPMed 0.00003.

Submissions (3):

Ambry Genetics
Classification: Uncertain significance for Cardiovascular phenotype. Last evaluated: 2025-12-15. Review status: criteria provided, single submitter. Criteria: Ambry Variant Classification Scheme 2023. Collection method: clinical testing. Allele origin: germline.

Labcorp Genetics (formerly Invitae), Labcorp
Classification: Uncertain significance for Long QT syndrome. Last evaluated: 2025-09-28. Review status: criteria provided, single submitter. Criteria: Invitae Variant Classification Sherloc (09022015). Collection method: clinical testing. Allele origin: germline.
Comment: This sequence change replaces arginine, which is basic and polar, with tryptophan, which is neutral and slightly polar, at codon 3766 of the AKAP9 protein (p.Arg3766Trp). This variant is present in population databases (rs774732981, gnomAD 0.003%). This variant has not been reported in the literature in individuals affected with AKAP9-related conditions. ClinVar contains an entry for this variant (Variation ID: 1727561). An algorithm developed to predict the effect of missense changes on protein structure and function (PolyPhen-2) suggests that this variant is likely to be disruptive. In summary, the available evidence is currently insufficient to determine the role of this variant in disease. Therefore, it has been classified as a Variant of Uncertain Significance.

Women's Health and Genetics/Laboratory Corporation of America, LabCorp
Classification: Uncertain significance. Last evaluated: 2024-04-28. Review status: criteria provided, single submitter. Criteria: LabCorp Variant Classification Summary - May 2015. Collection method: clinical testing. Allele origin: germline.

NM_005751.5(AKAP9):c.11296C>T (p.Arg3766Trp)

Gene: AKAP9 (A-kinase anchoring protein 9; plus strand). Cytogenetic location: 7q21.2.
Variant type: single nucleotide variant.
Coding change: c.11296C>T on transcript NM_005751.5 (MANE Select); coding-DNA position 11296, C replaced by T.
Protein change: p.Arg3766Trp; replaces arginine 3766 with tryptophan.
Molecular consequence: missense variant.
Genome position (GRCh38, 1-based): chr7:92,102,792, C>T. VCF-style: chr7-92102792-C-T. GRCh37 (hg19) VCF-style: chr7-91732106-C-T.
Other names: c.5941C>T, p.Arg1981Trp (NM_001379277.1); c.11272C>T, p.Arg3758Trp (NM_147185.3); short protein forms R3766W, R1981W, R3758W.
Identifiers: ClinVar variation 1727561 (VCV001727561.6), dbSNP rs774732981, ClinGen allele CA4338136.
Genomic context (GRCh38, chr7:92,102,792, plus strand): 5'-CAGCCAGCTTTCACGGATCTAGAGGTGATCACCAATCGCCCAAAGGGCTTCACCAGGTTT[C>T]GGTCGGCCGTCAGAGTATCCATTGCAATTTCCAGGTAAAGACTTGAAGGAAAATGCATTT-3'
Protein context (NP_005742.4, residues 3756-3776): TNRPKGFTRF[Arg3766Trp]SAVRVSIAIS